The following is an entry in ClinVar:

ClinVar aggregate classification (germline): Uncertain significance (1 of 4 stars; one submission).

Allele frequency attached by ClinVar (database versions not stated): ExAC 0.00001.

Submission:

Labcorp Genetics (formerly Invitae), Labcorp
Classification: Uncertain significance. Last evaluated: 2023-07-07. Review status: criteria provided, single submitter. Criteria: Invitae Variant Classification Sherloc (09022015). Collection method: clinical testing. Allele origin: germline.
Comment: This sequence change replaces histidine, which is basic and polar, with arginine, which is basic and polar, at codon 301 of the PCARE protein (p.His301Arg). This variant is present in population databases (rs772270510, gnomAD 0.002%). This variant has not been reported in the literature in individuals affected with PCARE-related conditions. ClinVar contains an entry for this variant (Variation ID: 1937612). Algorithms developed to predict the effect of missense changes on protein structure and function output the following: SIFT: "Not Available"; PolyPhen-2: "Benign"; Align-GVGD: "Not Available". The arginine amino acid residue is found in multiple mammalian species, which suggests that this missense change does not adversely affect protein function. In summary, the available evidence is currently insufficient to determine the role of this variant in disease. Therefore, it has been classified as a Variant of Uncertain Significance.

NM_001029883.3(PCARE):c.902A>G (p.His301Arg)

Gene: PCARE (photoreceptor cilium actin regulator; minus strand). Cytogenetic location: 2p23.2.
Variant type: single nucleotide variant.
Coding change: c.902A>G on transcript NM_001029883.3 (MANE Select); coding-DNA position 902, A replaced by G.
Protein change: p.His301Arg; replaces histidine 301 with arginine.
Molecular consequence: missense variant.
Genome position (GRCh38, 1-based): chr2:29,073,360, T>C on the plus strand (A>G on the coding strand, the complement: PCARE is on the minus strand). VCF-style: chr2-29073360-T-C. GRCh37 (hg19) VCF-style: chr2-29296226-T-C.
Other names: short protein forms H301R.
Identifiers: ClinVar variation 1937612 (VCV001937612.5), dbSNP rs772270510, ClinGen allele CA1592542.